The following is an entry in ClinVar:

ClinVar aggregate classification (germline): Uncertain significance (1 of 4 stars; one submission).

Allele frequency attached by ClinVar (database versions not stated): gnomAD exomes 0.00001; ExAC 0.00002.
gnomAD v4.1: 3 of 1,611,630 alleles (0.00019%); highest among the groups gnomAD compares: South Asian, 0.0033%; no homozygotes.

Submission:

Ambry Genetics
Classification: Uncertain significance. Last evaluated: 2023-09-27. Review status: criteria provided, single submitter. Criteria: Ambry Variant Classification Scheme 2023. Collection method: clinical testing. Allele origin: germline.
Comment: The p.Q267E variant (also known as c.799C>G), located in coding exon 8 of the BUB1 gene, results from a C to G substitution at nucleotide position 799. The glutamine at codon 267 is replaced by glutamic acid, an amino acid with highly similar properties. This amino acid position is conserved. In addition, this alteration is predicted to be tolerated by in silico analysis. Since supporting evidence is limited at this time, the clinical significance of this alteration remains unclear.

NM_004336.5(BUB1):c.799C>G (p.Gln267Glu)

Gene: BUB1 (BUB1 mitotic checkpoint serine/threonine kinase; minus strand). Cytogenetic location: 2q13.
Variant type: single nucleotide variant.
Coding change: c.799C>G on transcript NM_004336.5 (MANE Select); coding-DNA position 799, C replaced by G.
Protein change: p.Gln267Glu; replaces glutamine 267 with glutamic acid.
Molecular consequence: missense variant.
Genome position (GRCh38, 1-based): chr2:110,667,527, G>C on the plus strand (C>G on the coding strand, the complement: BUB1 is on the minus strand). VCF-style: chr2-110667527-G-C. GRCh37 (hg19) VCF-style: chr2-111425104-G-C.
Other names: c.739C>G, p.Gln247Glu (NM_001278616.2); c.799C>G, p.Gln267Glu (NM_001278617.2); short protein forms Q247E, Q267E.
Identifiers: ClinVar variation 3224121 (VCV003224121.1), dbSNP rs765653448, ClinGen allele CA1828251.